The following is an entry in ClinVar:

NM_001199753.2(CPT1C):c.310G>T (p.Val104Phe)

Gene: CPT1C (carnitine palmitoyltransferase 1C; plus strand). Cytogenetic location: 19q13.33.
Variant type: single nucleotide variant.
Coding change: c.310G>T on transcript NM_001199753.2 (MANE Select); coding-DNA position 310, G replaced by T.
Protein change: p.Val104Phe; replaces valine 104 with phenylalanine.
Molecular consequence: missense variant. On other transcripts: non-coding transcript variant (1).
Genome position (GRCh38, 1-based): chr19:49,700,712, G>T. VCF-style: chr19-49700712-G-T. GRCh37 (hg19) VCF-style: chr19-50203969-G-T.
Other names: c.310G>T (NM_001199752.1); c.310G>T, p.Val104Phe (NM_001378486.1, NM_001378487.1, NM_001378488.1 and 7 more transcripts); short protein forms V104F.
Identifiers: ClinVar variation 2716412 (VCV002716412.4), dbSNP rs531575078, ClinGen allele CA9581758.

ClinVar aggregate classification (germline): Uncertain significance. Review status: criteria provided, multiple submitters, no conflicts (2 of 4 stars). 2 submissions from 2 submitters: Uncertain significance (2). Last evaluated 2024-05-29.

Conditions:
Hereditary spastic paraplegia 73. Also called: Spastic paraplegia 73, autosomal dominant. Identifiers: Orphanet 444099, MedGen C5568981, MONDO:0014568, OMIM 616282.

Allele frequency attached by ClinVar (database versions not stated): 1000 Genomes Project 30x 0.00016; 1000 Genomes Project 0.00020.
gnomAD v4.1: 27 of 1,610,926 alleles (0.0017%); highest among the groups gnomAD compares: African/African-American, 0.017%; no homozygotes.

Submissions (2):

Ambry Genetics
Classification: Uncertain significance. Last evaluated: 2024-05-29. Review status: criteria provided, single submitter. Criteria: Ambry Variant Classification Scheme 2023. Collection method: clinical testing. Allele origin: germline.

Labcorp Genetics (formerly Invitae), Labcorp
Classification: Uncertain significance for Hereditary spastic paraplegia 73. Last evaluated: 2023-01-18. Review status: criteria provided, single submitter. Criteria: Invitae Variant Classification Sherloc (09022015). Collection method: clinical testing. Allele origin: germline.
Comment: In summary, the available evidence is currently insufficient to determine the role of this variant in disease. Therefore, it has been classified as a Variant of Uncertain Significance. Algorithms developed to predict the effect of missense changes on protein structure and function (SIFT, PolyPhen-2, Align-GVGD) all suggest that this variant is likely to be tolerated. This variant has not been reported in the literature in individuals affected with CPT1C-related conditions. This variant is present in population databases (rs531575078, gnomAD 0.02%). This sequence change replaces valine, which is neutral and non-polar, with phenylalanine, which is neutral and non-polar, at codon 104 of the CPT1C protein (p.Val104Phe).